The following is an entry in ClinVar:

ClinVar aggregate classification (germline): Pathogenic (3 of 4 stars; one submission).

Conditions:
Creatine transporter deficiency (CCDS1). Also called: Mental retardation , X-linked with seizures, short stature and midface hypoplasia; Mental retardation , X-linked, with creatine transport deficiency; X-linked creatine transporter deficiency; X-linked creatine deficiency syndrome; SLC6A8-Related Creatine Transporter Deficiency; CREATINE TRANSPORTER DEFECT. Identifiers: Orphanet 52503, MedGen C1845862, MONDO:0010305, OMIM 300352.

Submission:

ClinGen Cerebral Creatine Deficiency Syndromes Variant Curation Expert Panel, ClinGen
Classification: Pathogenic for Creatine transporter deficiency. Last evaluated: 2024-03-25. Review status: reviewed by expert panel. Criteria: ClinGen_CCDS_ACMG_Specifications_SLC6A8_v1.1. Collection method: curation. Allele origin: germline. Inheritance: X-linked inheritance.
Comment: The NM_005629.4:c.917G>A variant in SLC6A8 is a nonsense variant predicted to cause a premature stop codon in biologically relevant exon 6/13 (p.Trp306Ter) leading to nonsense mediated decay in a gene in which loss-of-function is an established disease mechanism (PVS1). The variant is absent in gnomAD v2.1.1. (PM2_Supporting). In summary, this variant meets criteria to be classified as pathogenic for creatine transporter deficiency. SLC6A8-specific criteria applied, as specified by the ClinGen CCDS VCEP (Specifications Version 1.1.0): PVS1, PM2_Supporting, PP4. (Classification approved by the ClinGen CCDS VCEP on Macrh 25, 2024).

NM_005629.4(SLC6A8):c.917G>A (p.Trp306Ter)

Gene: SLC6A8 (solute carrier family 6 member 8; plus strand). Cytogenetic location: Xq28.
Variant type: single nucleotide variant.
Coding change: c.917G>A on transcript NM_005629.4 (MANE Select); coding-DNA position 917, G replaced by A.
Protein change: p.Trp306Ter; replaces tryptophan 306 with a stop codon.
Molecular consequence: nonsense.
Genome position (GRCh38, 1-based): chrX:153,693,267, G>A. VCF-style: chrX-153693267-G-A. GRCh37 (hg19) VCF-style: chrX-152958722-G-A.
Other names: NM_001142805.2:c.917G>A; c.917G>A, p.Trp306Ter (NM_001142805.2); c.572G>A, p.Trp191Ter (NM_001142806.1); short protein forms W191*, W306*.
Identifiers: ClinVar variation 3066427 (VCV003066427.1), dbSNP rs2522162557, ClinGen allele CA415084403.
Genomic context (GRCh38, chrX:153,693,267, plus strand): 5'-CGCTGCGGGGGAGCCCTGCAGGCCCCTCATGCCTGCGCTCTCCGGCCCTTCTCTAGGTGT[G>A]GATAGATGCGGGGACCCAGATTTTCTTTTCTTACGCCATTGGCCTGGGGGCCCTCACAGC-3'